The following is an entry in ClinVar:

NC_000019.9:g.(?_50904019)_(50905638_?)del

Gene: POLD1 (DNA polymerase delta 1, catalytic subunit; plus strand). Cytogenetic location: 19q13.33.
Variant type: Deletion.
Identifiers: ClinVar variation 3248471 (VCV003248471.1).

ClinVar aggregate classification (germline): Uncertain significance (1 of 4 stars; one submission).

Conditions:
POLD1-related polyposis and colorectal cancer syndrome (CRCS10). Also called: Colorectal cancer 10; COLORECTAL CANCER, SUSCEPTIBILITY TO, ON CHROMOSOME 19q; Colorectal cancer, susceptibility to, 10. Identifiers: Orphanet 220460, MedGen C2675481, MONDO:0012953, OMIM 612591.

Submission:

Labcorp Genetics (formerly Invitae), Labcorp
Classification: Uncertain significance for POLD1-related polyposis and colorectal cancer syndrome. Last evaluated: 2023-10-09. Review status: criteria provided, single submitter. Criteria: Invitae Variant Classification Sherloc (09022015). Collection method: clinical testing. Allele origin: unknown.
Comment: This variant is a gross deletion of the genomic region encompassing exon(s) 4-6 of the POLD1 gene. This deletion is out-of-frame, and is expected to create a premature translational stop signal and result in an absent or disrupted protein product. Missense variants that disrupt the 3'-5' exonuclease (proof-reading) activity of the POLD1 protein are associated with PPAP (polymerase proofreading‚Äìassociated polyposis) (PMID: 23263490, 23447401). However loss-of-function variants, which result in an absent or severely disrupted POLD1 protein, and missense variants outside the exonuclease domain, are unlikely to be associated with PPAP. This variant has not been reported in the literature in individuals affected with POLD1-related conditions. In summary, the available evidence is currently insufficient to determine the role of this variant in disease. Therefore, it has been classified as a Variant of Uncertain Significance.

Literature cited by the submitters: PubMed 23263490; PubMed 23447401.